The following is an entry in ClinVar:

NM_014714.4(IFT140):c.4211G>A (p.Arg1404Gln)

Gene: IFT140 (intraflagellar transport 140; minus strand). Cytogenetic location: 16p13.3.
Variant type: single nucleotide variant.
Coding change: c.4211G>A on transcript NM_014714.4 (MANE Select); coding-DNA position 4211, G replaced by A.
Protein change: p.Arg1404Gln; replaces arginine 1404 with glutamine.
Molecular consequence: missense variant.
Genome position (GRCh38, 1-based): chr16:1,511,122, C>T on the plus strand (G>A on the coding strand, the complement: IFT140 is on the minus strand). VCF-style: chr16-1511122-C-T. GRCh37 (hg19) VCF-style: chr16-1561123-C-T.
Other names: c.4211G>A (NM_014714.3); short protein forms R1404Q.
Identifiers: ClinVar variation 2870110 (VCV002870110.4), dbSNP rs755432238, ClinGen allele CA7812827.

ClinVar aggregate classification (germline): Conflicting classifications of pathogenicity. Review status: criteria provided, conflicting classifications (1 of 4 stars). 2 submissions from 2 submitters: Uncertain significance (1); Likely benign (1). Last evaluated 2025-09-30.

Conditions:
Saldino-Mainzer syndrome (SRTD9). Also called: CONORENAL SYNDROME; SHORT-RIB THORACIC DYSPLASIA 9 WITHOUT POLYDACTYLY; Renal dysplasia, retinal pigmentary dystrophy, cerebellar ataxia and skeletal dysplasia; short-rib thoracic dysplasia 9 with or without polydactyly. Identifiers: Orphanet 140969, MedGen C1849437, MONDO:0009964, OMIM 266920.
IFT140-related disorder. Also called: IFT140-related condition.

Allele frequency attached by ClinVar (database versions not stated): gnomAD exomes 0.00004; gnomAD 0.00003; TOPMed 0.00003; ExAC 0.00004.

Submissions (2):

PreventionGenetics, part of Exact Sciences
Classification: Uncertain significance for IFT140-related condition. Last evaluated: 2025-09-30. Review status: criteria provided, single submitter. Criteria: ACMG Guidelines, 2015. Collection method: clinical testing. Allele origin: germline.
Comment: The IFT140 c.4211G>A variant is predicted to result in the amino acid substitution p.Arg1404Gln. This variant was reported in an individual with polycystic kidney disease (supplementary data eFigure1, Chang et al. 2022. PubMed ID: 36573973). This variant is reported in 0.0068% of alleles in individuals of South Asian descent in gnomAD. At this time, the clinical significance of this variant is uncertain due to the absence of conclusive functional and genetic evidence.

Labcorp Genetics (formerly Invitae), Labcorp
Classification: Likely benign for Saldino-Mainzer syndrome. Last evaluated: 2025-07-03. Review status: criteria provided, single submitter. Criteria: Invitae Variant Classification Sherloc (09022015). Collection method: clinical testing. Allele origin: germline.